The following is an entry in ClinVar:

ClinVar aggregate classification (germline): Uncertain significance (1 of 4 stars; one submission).

Conditions:
Epileptic encephalopathy. Identifiers: MedGen C0543888, HP:0200134.

Submission:

Labcorp Genetics (formerly Invitae), Labcorp
Classification: Uncertain significance for Epileptic encephalopathy. Last evaluated: 2022-07-19. Review status: criteria provided, single submitter. Criteria: Invitae Variant Classification Sherloc (09022015). Collection method: clinical testing. Allele origin: germline.
Comment: In summary, the available evidence is currently insufficient to determine the role of this variant in disease. Therefore, it has been classified as a Variant of Uncertain Significance. Algorithms developed to predict the effect of missense changes on protein structure and function (SIFT, PolyPhen-2, Align-GVGD) all suggest that this variant is likely to be disruptive. ClinVar contains an entry for this variant (Variation ID: 851723). This variant has not been reported in the literature in individuals affected with RYR3-related conditions. This variant is not present in population databases (gnomAD no frequency). This sequence change replaces serine, which is neutral and polar, with phenylalanine, which is neutral and non-polar, at codon 1174 of the RYR3 protein (p.Ser1174Phe).

NM_001036.6(RYR3):c.3521C>T (p.Ser1174Phe)

Gene: RYR3 (ryanodine receptor 3; plus strand). Cytogenetic location: 15q14.
Variant type: single nucleotide variant.
Coding change: c.3521C>T on transcript NM_001036.6 (MANE Select); coding-DNA position 3521, C replaced by T.
Protein change: p.Ser1174Phe; replaces serine 1174 with phenylalanine.
Molecular consequence: missense variant.
Genome position (GRCh38, 1-based): chr15:33,636,515, C>T. VCF-style: chr15-33636515-C-T. GRCh37 (hg19) VCF-style: chr15-33928716-C-T.
Other names: c.3521C>T, p.Ser1174Phe (NM_001243996.4); short protein forms S1174F.
Identifiers: ClinVar variation 851723 (VCV000851723.9), dbSNP rs2061506739, ClinGen allele CA391575821.